The following is an entry in ClinVar:

NM_181426.2(CCDC39):c.945_951del (p.Lys315_Ala316insTer)

Gene: CCDC39 (coiled-coil domain 39 molecular ruler complex subunit; minus strand). Cytogenetic location: 3q26.33.
Variant type: Deletion.
Coding change: c.945_951del on transcript NM_181426.2 (MANE Select); coding-DNA positions 945 to 951, 7 bases deleted (AGCCACT; older notation c.945_951delAGCCACT).
Protein change: p.Lys315_Ala316insTer.
Molecular consequence: frameshift variant.
Genome position (GRCh38, 1-based): chr3:180,652,246-180,652,252, AGTGGCT deleted on the plus strand (AGCCACT on the coding strand, the reverse complement: CCDC39 is on the minus strand). VCF-style (leftmost placement, unchanged base first): chr3-180652245-CAGTGGCT-C. GRCh37 (hg19) VCF-style: chr3-180370033-CAGTGGCT-C.
Identifiers: ClinVar variation 581112 (VCV000581112.7), dbSNP rs1560090006, ClinGen allele CA891842852.

ClinVar aggregate classification (germline): Pathogenic (1 of 4 stars; one submission).

Conditions:
Primary ciliary dyskinesia. Also called: Ciliary dyskinesia. Identifiers: Orphanet 244, MedGen C0008780, MONDO:0016575, HP:0012265.

Submission:

Labcorp Genetics (formerly Invitae), Labcorp
Classification: Pathogenic for Primary ciliary dyskinesia. Last evaluated: 2025-03-12. Review status: criteria provided, single submitter. Criteria: Invitae Variant Classification Sherloc (09022015). Collection method: clinical testing. Allele origin: germline.
Comment: This sequence change creates a premature translational stop signal (p.Ala316*) in the CCDC39 gene. It is expected to result in an absent or disrupted protein product. Loss-of-function variants in CCDC39 are known to be pathogenic (PMID: 21131972, 23255504). This variant is not present in population databases (gnomAD no frequency). This variant has not been reported in the literature in individuals affected with CCDC39-related conditions. ClinVar contains an entry for this variant (Variation ID: 581112). Algorithms developed to predict the effect of sequence changes on RNA splicing suggest that this variant may create or strengthen a splice site. For these reasons, this variant has been classified as Pathogenic.

Literature cited by the submitters: PubMed 21131972; PubMed 23255504.